The following is an entry in ClinVar:

NM_004431.5(EPHA2):c.2627G>A (p.Arg876His)

Gene: EPHA2 (EPH receptor A2; minus strand). Cytogenetic location: 1p36.13.
Variant type: single nucleotide variant.
Coding change: c.2627G>A on transcript NM_004431.5 (MANE Select); coding-DNA position 2627, G replaced by A.
Protein change: p.Arg876His; replaces arginine 876 with histidine.
Molecular consequence: missense variant.
Genome position (GRCh38, 1-based): chr1:16,130,268, C>T on the plus strand (G>A on the coding strand, the complement: EPHA2 is on the minus strand). VCF-style: chr1-16130268-C-T. GRCh37 (hg19) VCF-style: chr1-16456763-C-T.
Other names: c.2465G>A, p.Arg822His (NM_001329090.2); short protein forms R876H, R822H.
Identifiers: ClinVar variation 259391 (VCV000259391.20), dbSNP rs35903225, ClinGen allele CA624775.
Genomic context (GRCh38, chr1:16,130,268, plus strand): 5'-AGAGGGCATAGAACTCACCGGGGGTCAAAGTCAGCCAGGGTCTTGAGGGAGTCAGGGGCA[C>T]GAATGAGCTTGTCCAGGATGCTGACGATGTCAGCGAACTTGGGGCGGCGGGCACGCTCCT-3'
Protein context (NP_004422.2, residues 866-886): DIVSILDKLI[Arg876His]APDSLKTLAD

ClinVar aggregate classification (germline): Benign. Review status: criteria provided, multiple submitters, no conflicts (2 of 4 stars). 6 submissions from 6 submitters: Benign (6). Last evaluated 2026-01-05.

Conditions:
Cataract 6 multiple types. Also called: CATARACT, AGE-RELATED CORTICAL, 2; CATARACT 6, POSTERIOR POLAR; CATARACT 6, CONGENITAL TOTAL. Identifiers: Orphanet 91492, MedGen C1861825, MONDO:0007288, OMIM 116600.

Allele frequency attached by ClinVar (database versions not stated): 1000 Genomes Project 0.00779; 1000 Genomes Project 30x 0.00796; ExAC 0.01701; gnomAD 0.01709 and 0.01759; gnomAD exomes 0.01714 and 0.02437; TOPMed 0.01834; ESP Exome Variant Server 0.01953.
gnomAD v4.1: 38,075 of 1,613,878 alleles (2.4%); highest among the groups gnomAD compares: Non-Finnish European, 2.8%; 560 homozygotes.

Submissions (6):

Labcorp Genetics (formerly Invitae), Labcorp
Classification: Benign for Cataract 6 multiple types. Last evaluated: 2026-01-05. Review status: criteria provided, single submitter. Criteria: Invitae Variant Classification Sherloc (09022015). Collection method: clinical testing. Allele origin: germline.

Genome-Nilou Lab
Classification: Benign for Cataract 6 multiple types. Last evaluated: 2023-04-11. Review status: criteria provided, single submitter. Criteria: ACMG Guidelines, 2015. Collection method: clinical testing. Allele origin: germline. Affected: no.

GeneDx
Classification: Benign. Last evaluated: 2020-02-12. Review status: criteria provided, single submitter. Criteria: GeneDx Variant Classification Process June 2021. Collection method: clinical testing. Allele origin: germline. Affected: yes.
Comment: This variant is associated with the following publications: (PMID: 26463840, 29267365, 31484920)

Illumina Laboratory Services, Illumina
Classification: Benign for Cataract 6 multiple types. Last evaluated: 2018-01-13. Review status: criteria provided, single submitter. Criteria: ICSL Variant Classification Criteria 13 December 2019. Collection method: clinical testing. Allele origin: germline.
Comment: This variant was observed in the ICSL laboratory as part of a predisposition screen in an ostensibly healthy population. It had not been previously curated by ICSL or reported in the Human Gene Mutation Database (HGMD: prior to June 1st, 2018), and was therefore a candidate for classification through an automated scoring system. Utilizing variant allele frequency, disease prevalence and penetrance estimates, and inheritance mode, an automated score was calculated to assess if this variant is too frequent to cause the disease. Based on the score and internal cut-off values, a variant classified as benign is not then subjected to further curation. The score for this variant resulted in a classification of benign for this disease.

Breakthrough Genomics
Classification: Benign. Review status: criteria provided, single submitter. Criteria: ACMG Guidelines, 2015. Collection method: not provided. Allele origin: germline. Inheritance: Autosomal dominant inheritance. Affected: yes.

PreventionGenetics, part of Exact Sciences
Classification: Benign. Review status: criteria provided, single submitter. Criteria: ACMG Guidelines, 2015. Collection method: clinical testing. Allele origin: germline.